The following is an entry in ClinVar:

NM_000059.4(BRCA2):c.7729A>T (p.Lys2577Ter)

Gene: BRCA2 (BRCA2 DNA repair associated; plus strand). Cytogenetic location: 13q13.1.
Variant type: single nucleotide variant.
Coding change: c.7729A>T on transcript NM_000059.4 (MANE Select); coding-DNA position 7729, A replaced by T.
Protein change: p.Lys2577Ter; replaces lysine 2577 with a stop codon.
Molecular consequence: nonsense.
Genome position (GRCh38, 1-based): chr13:32,357,853, A>T. VCF-style: chr13-32357853-A-T. GRCh37 (hg19) VCF-style: chr13-32931990-A-T.
Other names: short protein forms K2577*.
Identifiers: ClinVar variation 1454200 (VCV001454200.6), dbSNP rs2137567147, ClinGen allele CA387745513.
Genomic context (GRCh38, chr13:32,357,853, plus strand): 5'-GCAGAGTCTTTTCAGTTTCACACTGAAGATTATTTTGGTAAGGAAAGTTTATGGACTGGA[A>T]AAGGAATACAGTTGGCTGATGGTGGATGGCTCATACCCTCCAATGATGGAAAGGCTGGAA-3'

ClinVar aggregate classification (germline): Pathogenic (1 of 4 stars; one submission).

Conditions:
Hereditary breast ovarian cancer syndrome. Also called: Hereditary breast and ovarian cancer; Hereditary breast and ovarian cancer syndrome (HBOC); Breast and ovarian cancer; Hereditary breast and ovarian cancer syndrome; Hereditary breast and/or ovarian cancer syndrome; BRCA1- and BRCA2-Associated Hereditary Breast and Ovarian Cancer. Identifiers: Orphanet 145, MedGen C0677776, MeSH D061325, MONDO:0003582. Disease mechanism: loss of function.

Submission:

Labcorp Genetics (formerly Invitae), Labcorp
Classification: Pathogenic for Hereditary breast ovarian cancer syndrome. Last evaluated: 2021-07-12. Review status: criteria provided, single submitter. Criteria: Invitae Variant Classification Sherloc (09022015). Collection method: clinical testing. Allele origin: germline.
Comment: This sequence change creates a premature translational stop signal (p.Lys2577*) in the BRCA2 gene. It is expected to result in an absent or disrupted protein product. Loss-of-function variants in BRCA2 are known to be pathogenic (PMID: 20104584). This variant is not present in population databases (ExAC no frequency). This variant has not been reported in the literature in individuals affected with BRCA2-related conditions. For these reasons, this variant has been classified as Pathogenic.

Literature cited by the submitters: PubMed 20104584.